The following is an entry in ClinVar:

NM_001134831.2(AHI1):c.3150dup (p.Asp1051fs)

Gene: AHI1 (Abelson helper integration site 1; minus strand). Cytogenetic location: 6q23.3.
Variant type: Duplication.
Coding change: c.3150dup on transcript NM_001134831.2 (MANE Select); coding-DNA position 3150, one base duplicated (A; older notation c.3150dupA).
Protein change: p.Asp1051fs; shifts the reading frame from aspartic acid 1051.
Molecular consequence: frameshift variant.
Genome position (GRCh38, 1-based): chr6:135,358,147, T duplicated on the plus strand (A on the coding strand, the reverse complement: AHI1 is on the minus strand). VCF-style (leftmost placement, unchanged base first): chr6-135358146-C-CT. GRCh37 (hg19) VCF-style: chr6-135679284-C-CT.
Other names: c.3150dup, p.Asp1051fs (NM_001134830.2, NM_001350503.2, NM_001350504.2 and 1 more transcripts); short protein forms D1051fs.
Identifiers: ClinVar variation 4717851 (VCV004717851.1).

ClinVar aggregate classification (germline): Pathogenic (1 of 4 stars; one submission).

Conditions:
Joubert syndrome. Also called: CEREBELLOPARENCHYMAL DISORDER IV; JOUBERT-BOLTSHAUSER SYNDROME; Familial aplasia of the vermis. Identifiers: Orphanet 475, MedGen C5979921, MONDO:0018772.

Submission:

Labcorp Genetics (formerly Invitae), Labcorp
Classification: Pathogenic for Joubert syndrome. Last evaluated: 2025-07-07. Review status: criteria provided, single submitter. Criteria: Invitae Variant Classification Sherloc (09022015). Collection method: clinical testing. Allele origin: germline.
Comment: This sequence change creates a premature translational stop signal (p.Asp1051Argfs*11) in the AHI1 gene. It is expected to result in an absent or disrupted protein product. Loss-of-function variants in AHI1 are known to be pathogenic (PMID: 15322546, 16453322, 28442542, 29186038). This variant is not present in population databases (gnomAD no frequency). This variant has not been reported in the literature in individuals affected with AHI1-related conditions. Algorithms developed to predict the effect of sequence changes on RNA splicing suggest that this variant may disrupt the consensus splice site. For these reasons, this variant has been classified as Pathogenic.

Literature cited by the submitters: PubMed 15322546; PubMed 16453322; PubMed 28442542; PubMed 29186038.